The following is an entry in ClinVar:

ClinVar aggregate classification (germline): Uncertain significance (1 of 4 stars; one submission).

Submission:

GeneDx
Classification: Uncertain significance. Last evaluated: 2025-01-21. Review status: criteria provided, single submitter. Criteria: GeneDx Variant Classification Process June 2021. Collection method: clinical testing. Allele origin: germline. Affected: yes.
Comment: Not observed at significant frequency in large population cohorts (gnomAD); In silico analysis supports that this missense variant has a deleterious effect on protein structure/function; Has not been previously published as pathogenic or benign to our knowledge

NM_001039591.3(USP9X):c.1955A>C (p.Gln652Pro)

Gene: USP9X (ubiquitin specific peptidase 9 X-linked; plus strand). Cytogenetic location: Xp11.4.
Variant type: single nucleotide variant.
Coding change: c.1955A>C on transcript NM_001039591.3 (MANE Select); coding-DNA position 1955, A replaced by C.
Protein change: p.Gln652Pro; replaces glutamine 652 with proline.
Molecular consequence: missense variant.
Genome position (GRCh38, 1-based): chrX:41,162,847, A>C. VCF-style: chrX-41162847-A-C. GRCh37 (hg19) VCF-style: chrX-41022100-A-C.
Other names: c.1955A>C, p.Gln652Pro (NM_001039590.3); c.1970A>C, p.Gln657Pro (NM_001410748.1, NM_001410749.1); short protein forms Q652P, Q657P.
Identifiers: ClinVar variation 4070630 (VCV004070630.1).